The following is an entry in ClinVar:

NM_000466.3(PEX1):c.1239G>A (p.Trp413Ter)

Gene: PEX1 (peroxisomal biogenesis factor 1; minus strand). Cytogenetic location: 7q21.2.
Variant type: single nucleotide variant.
Coding change: c.1239G>A on transcript NM_000466.3 (MANE Select); coding-DNA position 1239, G replaced by A.
Protein change: p.Trp413Ter; replaces tryptophan 413 with a stop codon.
Molecular consequence: nonsense.
Genome position (GRCh38, 1-based): chr7:92,517,276, C>T on the plus strand (G>A on the coding strand, the complement: PEX1 is on the minus strand). VCF-style: chr7-92517276-C-T. GRCh37 (hg19) VCF-style: chr7-92146590-C-T.
Other names: c.1239G>A (NM_000466.2); c.1239G>A, p.Trp413Ter (NM_001282677.2); c.615G>A, p.Trp205Ter (NM_001282678.2); short protein forms W205*, W413*.
Identifiers: ClinVar variation 2884829 (VCV002884829.4), dbSNP rs267608175, ClinGen allele CA161973191.

ClinVar aggregate classification (germline): Pathogenic/Likely pathogenic. Review status: criteria provided, multiple submitters, no conflicts (2 of 4 stars). 2 submissions from 2 submitters: Pathogenic (1); Likely pathogenic (1). Last evaluated 2025-03-19.

Conditions:
Zellweger spectrum disorders (ZS). Also called: Zellweger Spectrum Disorder (ZSD); Zellweger syndrome; Zellweger Spectrum Disorder; Zellweger Spectrum. Identifiers: Orphanet 912, MedGen C0043459, MONDO:0019609.

Allele frequency attached by ClinVar (database versions not stated): gnomAD exomes below 0.00001; gnomAD 0.00001; TOPMed 0.00001.
gnomAD v4.1: 7 of 1,611,958 alleles (0.00043%); highest among the groups gnomAD compares: African/African-American, 0.0013%; no homozygotes.

Submissions (2):

Natera, Inc.
Classification: Likely pathogenic for Zellweger syndrome. Last evaluated: 2025-03-19. Review status: criteria provided, single submitter. Criteria: Natera Variant Classification Schema (03/2026). Collection method: clinical testing. Allele origin: germline.
Comment: The c.1239G>A variant in PEX1 is a nonsense variant predicted to introduce a stop codon at amino acid 413. This variant is expected to result in nonsense mediated decay, truncation, or a dysfunctional protein product. This variant is rare in the general population with a frequency below the threshold expected for the associated phenotype(s). Given the available evidence, this variant is classified as Likely Pathogenic.

Labcorp Genetics (formerly Invitae), Labcorp
Classification: Pathogenic for Zellweger spectrum disorders. Last evaluated: 2023-08-07. Review status: criteria provided, single submitter. Criteria: Invitae Variant Classification Sherloc (09022015). Collection method: clinical testing. Allele origin: germline.
Comment: This sequence change creates a premature translational stop signal (p.Trp413*) in the PEX1 gene. It is expected to result in an absent or disrupted protein product. Loss-of-function variants in PEX1 are known to be pathogenic (PMID: 21031596, 26387595, 31831025). This variant is present in population databases (rs267608175, gnomAD 0.0009%). This variant has not been reported in the literature in individuals affected with PEX1-related conditions. For these reasons, this variant has been classified as Pathogenic.

Literature cited by the submitters: PubMed 21031596 (cited by Labcorp Genetics (formerly Invitae), Labcorp); PubMed 26387595 (cited by Labcorp Genetics (formerly Invitae), Labcorp); PubMed 31831025 (cited by Labcorp Genetics (formerly Invitae), Labcorp).